The following is an entry in ClinVar:

ClinVar aggregate classification (germline): Benign/Likely benign. Review status: criteria provided, multiple submitters, no conflicts (2 of 4 stars). 12 submissions from 12 submitters: Benign (7); Likely benign (1). 4 of the submissions do not count toward it. Last evaluated 2026-02-02.

Conditions:
Becker muscular dystrophy (BMD). Also called: MUSCULAR DYSTROPHY, PSEUDOHYPERTROPHIC PROGRESSIVE, BECKER TYPE; Becker Muscular Dystrophy (BMD). Identifiers: Orphanet 98895, MedGen C0917713, MONDO:0010311, OMIM 300376.
Duchenne muscular dystrophy (DMD). Also called: Duchenne Muscular Dystrophy (DMD); MUSCULAR DYSTROPHY, PSEUDOHYPERTROPHIC PROGRESSIVE, DUCHENNE TYPE. Identifiers: Orphanet 98896, MedGen C0013264, MONDO:0010679, OMIM 310200.
Cardiomyopathy (CMYO). Also called: Cardiomyopathies. Identifiers: Orphanet 167848, MedGen C0878544, MONDO:0004994, HP:0001638. Inheritance: Various modes of inheritance.
Dystrophin deficiency.

Allele frequency attached by ClinVar (database versions not stated): gnomAD exomes 0.00052 and 0.00018; ExAC 0.00064; ESP Exome Variant Server 0.00161; gnomAD 0.00161 and 0.00162; 1000 Genomes Project 0.00185; 1000 Genomes Project 30x 0.00187; TOPMed 0.00197.
gnomAD v4.1: 384 of 1,182,080 alleles (0.032%); highest among the groups gnomAD compares: African/African-American, 0.6%; no homozygotes.

Submissions (12):

Labcorp Genetics (formerly Invitae), Labcorp
Classification: Benign for Duchenne muscular dystrophy. Last evaluated: 2026-02-02. Review status: criteria provided, single submitter. Criteria: Invitae Variant Classification Sherloc (09022015). Collection method: clinical testing. Allele origin: germline.

Women's Health and Genetics/Laboratory Corporation of America, LabCorp
Classification: Benign. Last evaluated: 2025-07-17. Review status: criteria provided, single submitter. Criteria: LabCorp Variant Classification Summary - May 2015. Collection method: clinical testing. Allele origin: germline.

Mayo Clinic Laboratories, Mayo Clinic
Classification: Benign. Last evaluated: 2024-11-01. Review status: criteria provided, single submitter. Criteria: ACMG Guidelines, 2015. Collection method: clinical testing. Allele origin: germline. Observed: 2 variant alleles.
Comment: BS1, BS2, BP4, BP7

Blueprint Genetics
Classification: Likely benign. Last evaluated: 2024-10-02. Review status: criteria provided, single submitter. Criteria: ACMG Guidelines, 2015. Collection method: clinical testing. Allele origin: germline.

ARUP Laboratories, Molecular Genetics and Genomics, ARUP Laboratories
Classification: Benign. Last evaluated: 2017-04-25. Review status: criteria provided, single submitter. Criteria: ARUP Molecular Germline Variant Investigation Process. Collection method: clinical testing. Allele origin: germline.

GeneDx
Classification: Benign. Last evaluated: 2016-06-27. Review status: criteria provided, single submitter. Criteria: GeneDx Variant Classification (06012015). Collection method: clinical testing. Allele origin: germline. Affected: yes.
Comment: This variant is considered likely benign or benign based on one or more of the following criteria: it is a conservative change, it occurs at a poorly conserved position in the protein, it is predicted to be benign by multiple in silico algorithms, and/or has population frequency not consistent with disease.

Center for Pediatric Genomic Medicine, Children's Mercy Hospital and Clinics
Classification: Benign. Last evaluated: 2016-01-11. Review status: criteria provided, single submitter. Criteria: ACMG Guidelines, 2015. Collection method: clinical testing. Allele origin: germline.

Eurofins Ntd Llc (ga)
Classification: Benign. Last evaluated: 2012-12-20. Review status: criteria provided, single submitter. Criteria: EGL Classification Definitions 2015. Collection method: clinical testing. Allele origin: germline. Observed: 2 variant alleles, 1 heterozygote, 1 hemizygote.

Natera, Inc.
Classification: Likely benign for Becker muscular dystrophy; Cardiomyopathy; Duchenne muscular dystrophy; Dystrophin deficiency. Last evaluated: 2017-08-09. Review status: no assertion criteria provided. Collection method: clinical testing. Allele origin: germline. Not counted in ClinVar's aggregate classification.

Clinical Genetics DNA and cytogenetics Diagnostics Lab, Erasmus MC, Erasmus Medical Center
Classification: Likely benign. Review status: no assertion criteria provided. Collection method: clinical testing. Allele origin: germline. Affected: yes. Study: VKGL Data-share Consensus. Not counted in ClinVar's aggregate classification.

Diagnostic Laboratory, Department of Genetics, University Medical Center Groningen
Classification: Likely benign. Review status: no assertion criteria provided. Collection method: clinical testing. Allele origin: germline. Affected: yes. Study: VKGL Data-share Consensus. Not counted in ClinVar's aggregate classification.

Genome Diagnostics Laboratory, University Medical Center Utrecht
Classification: Benign. Review status: no assertion criteria provided. Collection method: clinical testing. Allele origin: germline. Affected: yes. Study: VKGL Data-share Consensus. Not counted in ClinVar's aggregate classification.

NM_004006.3(DMD):c.1483-7C>G

Gene: DMD (dystrophin; minus strand). Cytogenetic location: Xp21.1.
Variant type: single nucleotide variant.
Coding change: c.1483-7C>G on transcript NM_004006.3 (MANE Select); 7 bases into the intron before coding-DNA position 1483, C replaced by G.
Molecular consequence: intron variant.
Genome position (GRCh38, 1-based): chrX:32,595,883, G>C on the plus strand (C>G on the coding strand, the complement: DMD is on the minus strand). VCF-style: chrX-32595883-G-C. GRCh37 (hg19) VCF-style: chrX-32614000-G-C.
Other names: p.?; c.1459-7C>G (NM_000109.4); c.1471-7C>G (NM_004009.3); c.1114-7C>G (NM_004010.3).
Identifiers: ClinVar variation 94470 (VCV000094470.31), dbSNP rs112463388, ClinGen allele CA147807.